The following is an entry in ClinVar:

NM_001367624.2(ZNF469):c.11402C>G (p.Pro3801Arg)

Gene: ZNF469 (zinc finger protein 469; plus strand). Cytogenetic location: 16q24.2.
Variant type: single nucleotide variant.
Coding change: c.11402C>G on transcript NM_001367624.2 (MANE Select); coding-DNA position 11402, C replaced by G.
Protein change: p.Pro3801Arg; replaces proline 3801 with arginine.
Molecular consequence: missense variant.
Genome position (GRCh38, 1-based): chr16:88,438,872, C>G. VCF-style: chr16-88438872-C-G. GRCh37 (hg19) VCF-style: chr16-88505280-C-G.
Other names: NM_001127464.1:c.11318C>G; short protein forms P3801R.
Identifiers: ClinVar variation 5032278 (VCV005032278.1).
Genomic context (GRCh38, chr16:88,438,872, plus strand): 5'-CCGCTCGAGCCCAAGCCAAGAGCTGCACCAAGGGGCCAAGGGAAGCTGGTGAGCAGGGGC[C>G]CCACGGGAGCCTAGGTCCCAAGGAGAAGGGAGAGAGCAGTACGAAGAGGAAAAAGGGCCA-3'
Protein context (NP_001354553.1, residues 3791-3811): KGPREAGEQG[Pro3801Arg]HGSLGPKEKG

ClinVar aggregate classification (germline): Uncertain significance (1 of 4 stars; one submission).

Conditions:
Cardiovascular phenotype. Identifiers: MedGen CN230736.

gnomAD v4.1: 2 of 1,550,322 alleles (0.00013%); highest among the groups gnomAD compares: Admixed American, 0.002%; no homozygotes.

Submission:

Ambry Genetics
Classification: Uncertain significance for Cardiovascular phenotype. Last evaluated: 2026-09-07. Review status: criteria provided, single submitter. Criteria: Ambry Variant Classification Scheme 2023. Collection method: clinical testing. Allele origin: germline.
Comment: The p.P3773R variant (also known as c.11318C>G), located in coding exon 2 of the ZNF469 gene, results from a C to G substitution at nucleotide position 11318. The proline at codon 3773 is replaced by arginine, an amino acid with dissimilar properties. This amino acid position is conserved. In addition, this alteration is predicted to be tolerated by in silico analysis. Based on the available evidence, the clinical significance of this variant remains unclear.